The following is an entry in ClinVar:

NM_015295.3(SMCHD1):c.5145_5146del (p.Tyr1715_Thr1716insTer)

Gene: SMCHD1 (structural maintenance of chromosomes flexible hinge domain containing 1; plus strand). Cytogenetic location: 18p11.32.
Variant type: Microsatellite.
Coding change: c.5145_5146del on transcript NM_015295.3 (MANE Select); coding-DNA positions 5145 to 5146, 2 bases deleted (TA; older notation c.5145_5146delTA).
Protein change: p.Tyr1715_Thr1716insTer.
Molecular consequence: frameshift variant.
Genome position (GRCh38, 1-based): chr18:2,772,342-2,772,343, TA deleted; deleting any 2 consecutive bases within chr18:2,772,340-2,772,343 gives the same sequence; the c. name uses the placement nearest the transcript's 3' end. VCF-style (leftmost placement, unchanged base first): chr18-2772339-CTA-C. GRCh37 (hg19) VCF-style: chr18-2772337-CTA-C.
Identifiers: ClinVar variation 1709885 (VCV001709885.2), dbSNP rs2510152204, ClinGen allele CA2580613266.

ClinVar aggregate classification (germline): Likely pathogenic (1 of 4 stars; one submission).

Conditions:
Facioscapulohumeral muscular dystrophy 2 (FSHD2). Also called: FACIOSCAPULOHUMERAL MUSCULAR DYSTROPHY 2, DIGENIC; MUSCULAR DYSTROPHY, FACIOSCAPULOHUMERAL, TYPE 1B; FSHD2, DIGENIC. Identifiers: Orphanet 269, MedGen C1834671, MONDO:0008031, OMIM 158901.

Submission:

MGZ Medical Genetics Center
Classification: Likely pathogenic for Facioscapulohumeral muscular dystrophy 2. Last evaluated: 2021-08-11. Review status: criteria provided, single submitter. Criteria: ACMG Guidelines, 2015. Collection method: clinical testing. Allele origin: germline. Affected: yes. Observed: 1 variant allele.
Comment: ACMG criteria applied: PVS1, PM2_SUP